The following is an entry in ClinVar:

ClinVar aggregate classification (germline): Likely pathogenic (1 of 4 stars; one submission).

Conditions:
Hereditary cancer-predisposing syndrome. Also called: Neoplastic Syndromes, Hereditary; Tumor predisposition; Hereditary Cancer Syndrome; Hereditary neoplastic syndrome. Identifiers: Orphanet 140162, MedGen C0027672, MeSH D009386, MONDO:0015356.

Submission:

Ambry Genetics
Classification: Likely pathogenic for Hereditary cancer-predisposing syndrome. Last evaluated: 2017-10-25. Review status: criteria provided, single submitter. Criteria: Ambry Variant Classification Scheme 2023. Collection method: clinical testing. Allele origin: germline.
Comment: The c.798_803+15del21insGTAGTTCT variant spans the canonical donor site of coding exon 7 of the PMS2 gene. This variant results from a deletion of 21 nucleotides and insertion of GTAGTTCT nucleotides at positions c.798 to c.803+15. The canonical donor site is highly conserved in available vertebrate species. Using the BDGP and ESEfinder splice site prediction tools, this alteration is predicted to abolish the native splice donor site; however, direct evidence is unavailable. Alterations that disrupt the canonical splice site are expected to cause aberrant splicing, resulting in an abnormal protein or a transcript that is subject to nonsense-mediated mRNA decay. As such, this alteration is classified as likely pathogenic.

NM_000535.7(PMS2):c.798_803+15delinsGTAGTTCT

Gene: PMS2 (PMS1 homolog 2, mismatch repair system component; minus strand). Cytogenetic location: 7p22.1.
Variant type: Indel.
Coding change: c.798_803+15delinsGTAGTTCT on transcript NM_000535.7 (MANE Select); coding-DNA position 798 through 15 bases into the intron after coding-DNA position 803, TTTTTAGTAAGTAGATTGCTG replaced by GTAGTTCT.
Molecular consequence: splice donor variant.
Genome position (GRCh38, 1-based): chr7:5,997,311-5,997,331, CAGCAATCTACTTACTAAAAA replaced by AGAACTAC on the plus strand (TTTTTAGTAAGTAGATTGCTG replaced by GTAGTTCT on the coding strand, the reverse complement: PMS2 is on the minus strand). VCF-style: chr7-5997311-CAGCAATCTACTTACTAAAAA-AGAACTAC. GRCh37 (hg19) VCF-style: chr7-6036942-CAGCAATCTACTTACTAAAAA-AGAACTAC.
Other names: c.480_485+15delinsGTAGTTCT (NM_001322008.2, NM_001322007.2); c.393_398+15delinsGTAGTTCT (NM_001322010.2, NM_001322004.2, NM_001322003.2 and 2 more transcripts); c.225_230+15delinsGTAGTTCT (NM_001322013.2); c.-136_-131+15delinsGTAGTTCT (NM_001322012.2, NM_001322011.2); c.489_494+15delinsGTAGTTCT (NM_001322015.2); c.798_803+15delinsGTAGTTCT (NM_001322006.2, NM_001322014.2).
Identifiers: ClinVar variation 1761465 (VCV001761465.2), dbSNP rs2536214222, ClinGen allele CA2580076843.
Genomic context (GRCh38, chr7:5,997,311, plus strand): 5'-GAATCACTATCTTTAAAAAAAAAGCTCTCAGGATAAAATGTTCAATTGTAGTTCTCTTGC[CAGCAATCTACTTACTAAAAA>AGAACTAC]AGATTATGCAGAGCATCGGAACAGCTCAAACCGTACTCTTCACACACGGAGTCACTAGGG-3'